The following is an entry in ClinVar:

NM_018012.4(KIF26B):c.5131G>A (p.Gly1711Ser)

Gene: KIF26B (kinesin family member 26B; plus strand). Cytogenetic location: 1q44.
Variant type: single nucleotide variant.
Coding change: c.5131G>A on transcript NM_018012.4 (MANE Select); coding-DNA position 5131, G replaced by A.
Protein change: p.Gly1711Ser; replaces glycine 1711 with serine.
Molecular consequence: missense variant.
Genome position (GRCh38, 1-based): chr1:245,688,114, G>A. VCF-style: chr1-245688114-G-A. GRCh37 (hg19) VCF-style: chr1-245851416-G-A.
Other names: short protein forms G1711S.
Identifiers: ClinVar variation 719771 (VCV000719771.6), dbSNP rs201153057, ClinGen allele CA1488592.
Genomic context (GRCh38, chr1:245,688,114, plus strand): 5'-GTGAGCTCCCGGCTGCACGCGGGCAAGGACGGCACCATGCCCCGCGCGGGGAGGAGCCTG[G>A]GCCGCAGCGCCGGGACCTCGCCCCCCAGCTCCGGGGCCTCGCCCAAGGCCGGCCAGTCCA-3'
Protein context (NP_060482.2, residues 1701-1721): GTMPRAGRSL[Gly1711Ser]RSAGTSPPSS

ClinVar aggregate classification (germline): Benign. Review status: criteria provided, single submitter (1 of 4 stars). 2 submissions from 2 submitters: Benign (1). 1 of the submissions does not count toward it. Last evaluated 2019-12-31.

Conditions:
KIF26B-related disorder. Also called: KIF26B-related condition.

Allele frequency attached by ClinVar (database versions not stated): ExAC 0.00142; 1000 Genomes Project 30x 0.00219; gnomAD 0.00222 and 0.00210; TOPMed 0.00255; gnomAD exomes 0.00021 and 0.00043; ESP Exome Variant Server 0.00205; 1000 Genomes Project 0.00220.
gnomAD v4.1: 627 of 1,564,810 alleles (0.04%); highest among the groups gnomAD compares: African/African-American, 0.75%; 2 homozygotes.

Submissions (2):

Labcorp Genetics (formerly Invitae), Labcorp
Classification: Benign. Last evaluated: 2019-12-31. Review status: criteria provided, single submitter. Criteria: Invitae Variant Classification Sherloc (09022015). Collection method: clinical testing. Allele origin: germline.

PreventionGenetics, part of Exact Sciences
Classification: Benign for KIF26B-related condition. Last evaluated: 2019-11-25. Review status: no assertion criteria provided. Collection method: clinical testing. Allele origin: germline. Not counted in ClinVar's aggregate classification.
Comment: This variant is classified as benign based on ACMG/AMP sequence variant interpretation guidelines (Richards et al. 2015 PMID: 25741868, with internal and published modifications).